The following is an entry in ClinVar:

NM_005632.3(CAPN15):c.2170G>T (p.Val724Phe)

Gene: CAPN15 (calpain 15; plus strand). Cytogenetic location: 16p13.3.
Variant type: single nucleotide variant.
Coding change: c.2170G>T on transcript NM_005632.3 (MANE Select); coding-DNA position 2170, G replaced by T.
Protein change: p.Val724Phe; replaces valine 724 with phenylalanine.
Molecular consequence: missense variant.
Genome position (GRCh38, 1-based): chr16:551,405, G>T. VCF-style: chr16-551405-G-T. GRCh37 (hg19) VCF-style: chr16-601405-G-T.
Other names: short protein forms V724F.
Identifiers: ClinVar variation 4986112 (VCV004986112.1).

ClinVar aggregate classification (germline): Uncertain significance (1 of 4 stars; one submission).

Conditions:
CAPN15-related disorder. Also called: CAPN15-related condition.

Submission:

PreventionGenetics, part of Exact Sciences
Classification: Uncertain significance for CAPN15-related condition. Last evaluated: 2024-11-22. Review status: criteria provided, single submitter. Criteria: ACMG Guidelines, 2015. Collection method: clinical testing. Allele origin: germline.
Comment: The CAPN15 c.2170G>T variant is predicted to result in the amino acid substitution p.Val724Phe. To our knowledge, this variant has not been reported in the literature or in a large population database (gnomAD), indicating this variant is rare. At this time, the clinical significance of this variant is uncertain due to the absence of conclusive functional and genetic evidence.